The following is an entry in ClinVar:

ClinVar aggregate classification (germline): Uncertain significance (1 of 4 stars; one submission).

Allele frequency attached by ClinVar (database versions not stated): gnomAD exomes below 0.00001; TOPMed 0.00001.
gnomAD v4.1: 7 of 1,524,838 alleles (0.00046%); no homozygotes.

Submission:

Labcorp Genetics (formerly Invitae), Labcorp
Classification: Uncertain significance. Last evaluated: 2025-08-29. Review status: criteria provided, single submitter. Criteria: Invitae Variant Classification Sherloc (09022015). Collection method: clinical testing. Allele origin: germline.
Comment: This sequence change falls in intron 1 of the IMPDH1 gene. It does not directly change the encoded amino acid sequence of the IMPDH1 protein. It affects a nucleotide within the consensus splice site. This variant is not present in population databases (gnomAD no frequency). This variant has not been reported in the literature in individuals affected with IMPDH1-related conditions. ClinVar contains an entry for this variant (Variation ID: 2895969). Variants that disrupt the consensus splice site are a relatively common cause of aberrant splicing (PMID: 17576681, 9536098). Algorithms developed to predict the effect of sequence changes on RNA splicing suggest that this variant is not likely to affect RNA splicing. In summary, the available evidence is currently insufficient to determine the role of this variant in disease. Therefore, it has been classified as a Variant of Uncertain Significance.

Literature cited by the submitters: PubMed 17576681; PubMed 9536098.

NM_000883.4(IMPDH1):c.146+3G>A

Genes: IMPDH1 (inosine monophosphate dehydrogenase 1; minus strand), LOC129999258 (ATAC-STARR-seq lymphoblastoid silent region 18606; plus strand). Cytogenetic location: 7q32.1.
Variant type: single nucleotide variant.
Coding change: c.146+3G>A on transcript NM_000883.4 (MANE Select); 3 bases into the intron after coding-DNA position 146, G replaced by A.
Molecular consequence: intron variant.
Genome position (GRCh38, 1-based): chr7:128,409,753, C>T on the plus strand (G>A on the coding strand, the complement: IMPDH1 is on the minus strand). VCF-style: chr7-128409753-C-T. GRCh37 (hg19) VCF-style: chr7-128049807-C-T.
Other names: c.146+3G>A (NM_001304521.2, NM_183243.3, NM_001102605.2 and 1 more transcripts).
Identifiers: ClinVar variation 2895969 (VCV002895969.3), dbSNP rs889355687, ClinGen allele CA166137931.
Genomic context (GRCh38, chr7:128,409,753, plus strand): 5'-CCGCCGCGCCCTCCTCGGCCGCCCGCCCCGGATGCGCCCCGCGCGCTCTGCCCTGGGCGT[C>T]ACCTCTCGGGCTCGTAGCCGGCCTGCAGCAGTCGGGCGCTGTACCGCTGCGCCGCCGTCT-3'